The following is an entry in ClinVar:

ClinVar aggregate classification (germline): Likely pathogenic (1 of 4 stars; one submission).

Conditions:
TH-deficient dopa-responsive dystonia. Also called: Tyrosine Hydroxylase-Deficient Dopa-Responsive Dystonia; Segawa syndrome, autosomal recessive; DYT-TH. Identifiers: Orphanet 101150, MedGen C2673535, MONDO:0011551, OMIM 605407.

gnomAD v4.1: 2 of 1,557,926 alleles (0.00013%); highest among the groups gnomAD compares: Non-Finnish European, 0.00017%; no homozygotes.

Submission:

Labcorp Genetics (formerly Invitae), Labcorp
Classification: Likely pathogenic for TH-deficient dopa-responsive dystonia. Last evaluated: 2025-08-29. Review status: criteria provided, single submitter. Criteria: Invitae Variant Classification Sherloc (09022015). Collection method: clinical testing. Allele origin: germline.
Comment: This sequence change replaces arginine, which is basic and polar, with cysteine, which is neutral and slightly polar, at codon 337 of the TH protein (p.Arg337Cys). This variant is not present in population databases (gnomAD no frequency). This variant has not been reported in the literature in individuals affected with TH-related conditions. ClinVar contains an entry for this variant (Variation ID: 3627277). Invitae Evidence Modeling of protein sequence and biophysical properties (such as structural, functional, and spatial information, amino acid conservation, physicochemical variation, residue mobility, and thermodynamic stability) indicates that this missense variant is expected to disrupt TH protein function with a positive predictive value of 95%. This variant disrupts the p.Arg337 amino acid residue in TH. Other variant(s) that disrupt this residue have been determined to be pathogenic (PMID: 11246459, 15468323, 24753243). This suggests that this residue is clinically significant, and that variants that disrupt this residue are likely to be disease-causing. In summary, the currently available evidence indicates that the variant is pathogenic, but additional data are needed to prove that conclusively. Therefore, this variant has been classified as Likely Pathogenic.

Literature cited by the submitters: PubMed 11246459; PubMed 15468323; PubMed 24753243.

NM_000360.4(TH):c.916C>T (p.Arg306Cys)

Gene: TH (tyrosine hydroxylase; minus strand). Cytogenetic location: 11p15.5.
Variant type: single nucleotide variant.
Coding change: c.916C>T on transcript NM_000360.4 (MANE Select); coding-DNA position 916, C replaced by T.
Protein change: p.Arg306Cys; replaces arginine 306 with cysteine.
Molecular consequence: missense variant.
Genome position (GRCh38, 1-based): chr11:2,166,694, G>A on the plus strand (C>T on the coding strand, the complement: TH is on the minus strand). VCF-style: chr11-2166694-G-A. GRCh37 (hg19) VCF-style: chr11-2187924-G-A.
Other names: c.1009C>T, p.Arg337Cys (NM_199292.3); c.997C>T, p.Arg333Cys (NM_199293.3); short protein forms R306C, R333C, R337C.
Identifiers: ClinVar variation 3627277 (VCV003627277.2).
Genomic context (GRCh38, chr11:2,166,694, plus strand): 5'-GCTCAGGGGAGTGCATGGGCGAGGACGCGTGGCGGATATACTGGGTGCACTGGAACACGC[G>A]GAAGGCCAGGCTGGCCAGGAAGTCCCGGGCGGACAGCAGGCCGGCCACAGGCCGCAGCTG-3'
Protein context (NP_000351.2, residues 296-316): ARDFLASLAF[Arg306Cys]VFQCTQYIRH